The following is an entry in ClinVar:

NM_020822.3(KCNT1):c.820C>G (p.Leu274Val)

Gene: KCNT1 (potassium sodium-activated channel subfamily T member 1; plus strand). Cytogenetic location: 9q34.3.
Variant type: single nucleotide variant.
Coding change: c.820C>G on transcript NM_020822.3 (MANE Select); coding-DNA position 820, C replaced by G.
Protein change: p.Leu274Val; replaces leucine 274 with valine.
Molecular consequence: missense variant.
Genome position (GRCh38, 1-based): chr9:135,758,474, C>G. VCF-style: chr9-135758474-C-G. GRCh37 (hg19) VCF-style: chr9-138650320-C-G.
Other names: c.676C>G, p.Leu226Val (NM_001272003.2); short protein forms L226V, L274V.
Identifiers: ClinVar variation 2583074 (VCV002583074.25), dbSNP rs2490849089, ClinGen allele CA375498247.

ClinVar aggregate classification (germline): Uncertain significance (1 of 4 stars; one submission).

Submission:

CeGaT Center for Human Genetics Tuebingen
Classification: Uncertain significance. Last evaluated: 2023-09-01. Review status: criteria provided, single submitter. Criteria: CeGaT Center For Human Genetics Tuebingen Variant Classification Criteria Version 2. Collection method: clinical testing. Allele origin: germline. Affected: yes. Observed: 1 variant allele.
Comment: KCNT1: PM2, PM5